The following is an entry in ClinVar:

ClinVar aggregate classification (germline): Likely pathogenic (1 of 4 stars; one submission).

Conditions:
Retinitis pigmentosa 1 (RP1). Identifiers: Orphanet 791, MedGen C0220701, MONDO:0008377, OMIM 180100.

gnomAD v4.1: 1 of 403,974 alleles (0.00025%); highest among the groups gnomAD compares: Non-Finnish European, 0.00044%; no homozygotes.

Submission:

Dasa
Classification: Likely pathogenic for Retinitis pigmentosa 1. Last evaluated: 2025-11-10. Review status: criteria provided, single submitter. Criteria: DASA Assertion Criteria. Collection method: clinical testing. Allele origin: germline.
Comment: NM_001375654.1(RP1):c.3325C>T (p.Gln1109*) is a nonsense variant in RP1 predicted to introduce a premature termination codon and is predicted to result in an absent or altered protein product. Loss of function is an established disease mechanism for RP1-associated disorders. Also, this variant is rare in population databases. Based on the currently available evidence, this variant is classified as likely pathogenic.

NM_001375654.1(RP1):c.3325C>T (p.Gln1109Ter)

Gene: RP1 (RP1 axonemal microtubule associated; plus strand). Cytogenetic location: 8q12.1.
Variant type: single nucleotide variant.
Coding change: c.3325C>T on transcript NM_001375654.1; coding-DNA position 3325, C replaced by T.
Protein change: p.Gln1109Ter; replaces glutamine 1109 with a stop codon.
Molecular consequence: nonsense.
Genome position (GRCh38, 1-based): chr8:54,770,140, C>T. VCF-style: chr8-54770140-C-T. GRCh37 (hg19) VCF-style: chr8-55682700-C-T.
Other names: short protein forms Q1109*.
Identifiers: ClinVar variation 4881434 (VCV004881434.2).
Genomic context (GRCh38, chr8:54,770,140, plus strand): 5'-AGACAGATCTGTTATTAACTGCACTTCACTTTTATTTTTGCAGAAATGCAAATAAATCAT[C>T]AACCTAAAATACAAGAGGAAGCAAATGGTAAATGTTGTTGCCACTTTTCATCTTTTAATC-3'